The following is an entry in ClinVar:

NM_024529.5(CDC73):c.*1582T>G

Gene: CDC73 (cell division cycle 73; plus strand). Cytogenetic location: 1q31.2.
Variant type: single nucleotide variant.
Coding change: c.*1582T>G on transcript NM_024529.5 (MANE Select); 1582 bases downstream of the stop codon, T replaced by G.
Molecular consequence: 3 prime UTR variant.
Genome position (GRCh38, 1-based): chr1:193,252,294, T>G. VCF-style: chr1-193252294-T-G. GRCh37 (hg19) VCF-style: chr1-193221424-T-G.
Identifiers: ClinVar variation 3777344 (VCV003777344.1).

ClinVar aggregate classification (germline): Likely benign (1 of 4 stars; one submission).

gnomAD v4.1: 843 of 230,430 alleles (0.37%); highest among the groups gnomAD compares: Admixed American, 3.3%; 17 homozygotes.

Submission:

GeneDx
Classification: Likely benign. Last evaluated: 2021-05-13. Review status: criteria provided, single submitter. Criteria: GeneDx Variant Classification Process June 2021. Collection method: clinical testing. Allele origin: germline. Affected: yes.
Comment: See Variant Classification Assertion Criteria.